The following is an entry in ClinVar:

NM_001267550.2(TTN):c.68008del (p.Asp22670fs)

Genes: TTN-AS1 (TTN antisense RNA 1; plus strand), TTN (titin; minus strand), LOC126806423 (CDK7 strongly-dependent group 2 enhancer GRCh37_chr2:179443309-179444508; plus strand). Cytogenetic location: 2q31.2.
Variant type: Deletion.
Coding change: c.68008del on transcript NM_001267550.2 (MANE Select); coding-DNA position 68008, one base deleted (G; older notation c.68008delG).
Protein change: p.Asp22670fs; shifts the reading frame from aspartic acid 22670.
Molecular consequence: frameshift variant.
Genome position (GRCh38, 1-based): chr2:178,579,022, C deleted on the plus strand (G on the coding strand, the reverse complement: TTN is on the minus strand); the first of 2 consecutive C bases (chr2:178,579,022-178,579,023); deleting either gives the same sequence. VCF-style (leftmost placement, unchanged base first): chr2-178579021-TC-T. GRCh37 (hg19) VCF-style: chr2-179443748-TC-T.
Other names: c.63085del, p.Asp21029fs (NM_001256850.1); c.40813del, p.Asp13605fs (NM_003319.4); c.60304del, p.Asp20102fs (NM_133378.4); c.41188del, p.Asp13730fs (NM_133432.3); c.41389del, p.Asp13797fs (NM_133437.4); short protein forms D13605fs, D13730fs, D13797fs, D20102fs, D21029fs, D22670fs.
Identifiers: ClinVar variation 4531793 (VCV004531793.1).

ClinVar aggregate classification (germline): Likely pathogenic (1 of 4 stars; one submission).

Conditions:
Dilated cardiomyopathy 1G (CMD1G). Identifiers: Orphanet 154, MedGen C1858763, MONDO:0011400, OMIM 604145.

Submission:

Victorian Clinical Genetics Services, Murdoch Childrens Research Institute
Classification: Likely pathogenic for Dilated cardiomyopathy 1G. Last evaluated: 2025-06-24. Review status: criteria provided, single submitter. Criteria: ACMG Guidelines, 2015. Collection method: clinical testing. Allele origin: germline. Affected: yes.
Comment: This variant is classified as Likely pathogenic. Evidence in support of pathogenic classification: Variant is predicted to cause nonsense-mediated decay (NMD) and loss of protein (premature termination codon is located at least 54 nucleotides upstream of the final exon-exon junction); Variant is present in gnomAD <0.001 for a dominant condition (v4: 1 heterozygote(s), 0 homozygote(s)); Other NMD-predicted variants comparable to the one identified in this case have strong previous evidence for pathogenicity (ClinVar). Additional information: This variant is heterozygous; This gene is associated with both recessive and dominant disease (OMIM); This variant has no previous evidence of pathogenicity; No published evidence of segregation with disease has been identified for this variant; No published functional evidence has been identified for this variant; Variant is located in the annotated A-band and the exon has a PSI score of 100% (PMID: 25589632); Loss of function is a known mechanism of disease in this gene. In addition, dominant negative is also a suggested mechanism. (PMID: 25589632); The condition associated with this gene has incomplete penetrance. Variants in this gene that result in a premature termination codon (PTC) are known to have reduced penetrance in DCM (PMID: 25589632); Inheritance information for this variant is not currently available in this individual.

Literature cited by the submitters: PubMed 25589632.